The following is an entry in ClinVar:

ClinVar aggregate classification (germline): Pathogenic. Review status: criteria provided, multiple submitters, no conflicts (2 of 4 stars). 2 submissions from 2 submitters: Pathogenic (2). Last evaluated 2024-05-16.

Conditions:
Pitt-Hopkins-like syndrome 2 (PTHSL2). Identifiers: Orphanet 221150, Orphanet 600663, MedGen C3280479, MONDO:0013690, OMIM 614325.
Inborn genetic diseases. Identifiers: MedGen C0950123, MeSH D030342.

Allele frequency attached by ClinVar (database versions not stated): gnomAD 0.00001.
gnomAD v4.1: 2 of 1,592,948 alleles (0.00013%); highest among the groups gnomAD compares: Non-Finnish European, 0.00017%; no homozygotes.

Submissions (2):

Ambry Genetics
Classification: Pathogenic for Inborn genetic diseases. Last evaluated: 2024-05-16. Review status: criteria provided, single submitter. Criteria: Ambry Variant Classification Scheme 2023. Collection method: clinical testing. Allele origin: germline.
Comment: The c.3898C>T (p.R1300*) alteration, located in exon 21 (coding exon 20) of the NRXN1 gene, consists of a C to T substitution at nucleotide position 3898. This changes the amino acid from an arginine (R) to a stop codon at amino acid position 1300. This alteration is expected to result in loss of function by premature protein truncation or nonsense-mediated mRNA decay. This variant was not reported in population-based cohorts in the Genome Aggregation Database (gnomAD). Based on the available evidence, this alteration is classified as pathogenic.

Labcorp Genetics (formerly Invitae), Labcorp
Classification: Pathogenic for Pitt-Hopkins-like syndrome 2. Last evaluated: 2023-04-26. Review status: criteria provided, single submitter. Criteria: Invitae Variant Classification Sherloc (09022015). Collection method: clinical testing. Allele origin: germline.
Comment: This variant is not present in population databases (gnomAD no frequency). For these reasons, this variant has been classified as Pathogenic. This variant has not been reported in the literature in individuals affected with NRXN1-related conditions. This sequence change creates a premature translational stop signal (p.Arg1300*) in the NRXN1 gene. It is expected to result in an absent or disrupted protein product. Loss-of-function variants in NRXN1 are known to be pathogenic (PMID: 19896112, 21964664, 23495017, 23533028, 25149956, 30031152).

Literature cited by the submitters: PubMed 19896112 (cited by Labcorp Genetics (formerly Invitae), Labcorp); PubMed 21964664 (cited by Labcorp Genetics (formerly Invitae), Labcorp); PubMed 23495017 (cited by Labcorp Genetics (formerly Invitae), Labcorp); PubMed 23533028 (cited by Labcorp Genetics (formerly Invitae), Labcorp); PubMed 25149956 (cited by Labcorp Genetics (formerly Invitae), Labcorp); PubMed 30031152 (cited by Labcorp Genetics (formerly Invitae), Labcorp).

NM_001330078.2(NRXN1):c.3778C>T (p.Arg1260Ter)

Gene: NRXN1 (neurexin 1; minus strand). Cytogenetic location: 2p16.3.
Variant type: single nucleotide variant.
Coding change: c.3778C>T on transcript NM_001330078.2 (MANE Select); coding-DNA position 3778, C replaced by T.
Protein change: p.Arg1260Ter; replaces arginine 1260 with a stop codon.
Molecular consequence: nonsense. On other transcripts: intron variant (8).
Genome position (GRCh38, 1-based): chr2:50,054,985, G>A on the plus strand (C>T on the coding strand, the complement: NRXN1 is on the minus strand). VCF-style: chr2-50054985-G-A. GRCh37 (hg19) VCF-style: chr2-50282123-G-A.
Other names: c.3898C>T (NM_001135659.1); c.3898C>T, p.Arg1300Ter (NM_001135659.3); c.3754C>T, p.Arg1252Ter (NM_001330077.2, NM_001330082.2); c.3712C>T, p.Arg1238Ter (NM_001330084.2); c.3751C>T, p.Arg1251Ter (NM_001330085.2); c.3778C>T, p.Arg1260Ter (NM_001330086.2); c.673C>T, p.Arg225Ter (NM_001330091.2, NM_001330092.2); c.3775C>T, p.Arg1259Ter (NM_001330093.2); and 7 more; short protein forms R1251*, R1260*, R1256*, R1300*, R225*, R1259*, R1238*, R1252*.
Identifiers: ClinVar variation 2859383 (VCV002859383.4), dbSNP rs1169668668, ClinGen allele CA346820091.
Genomic context (GRCh38, chr2:50,054,985, plus strand): 5'-TTATTTGAAGTTTTAATCAATGTTTTTTACCTTTGTCGAGTAGCCATTCATCAACTACTC[G>A]ACCAAGTCGATATGGAATTCGCTGTCTAGCAATCGCCAGGCGCTCGTTATCATTGTTTCC-3'